The following is an entry in ClinVar:

NM_015102.5(NPHP4):c.3146C>T (p.Pro1049Leu)

Gene: NPHP4 (nephrocystin 4; minus strand). Cytogenetic location: 1p36.31.
Variant type: single nucleotide variant.
Coding change: c.3146C>T on transcript NM_015102.5 (MANE Select); coding-DNA position 3146, C replaced by T.
Protein change: p.Pro1049Leu; replaces proline 1049 with leucine.
Molecular consequence: missense variant. On other transcripts: non-coding transcript variant (1).
Genome position (GRCh38, 1-based): chr1:5,874,556, G>A on the plus strand (C>T on the coding strand, the complement: NPHP4 is on the minus strand). VCF-style: chr1-5874556-G-A. GRCh37 (hg19) VCF-style: chr1-5934616-G-A.
Other names: c.1607C>T, p.Pro536Leu (NM_001291593.2); c.1610C>T, p.Pro537Leu (NM_001291594.2); short protein forms P537L, P1049L, P536L.
Identifiers: ClinVar variation 1371104 (VCV001371104.4), dbSNP rs938043515, ClinGen allele CA17135866.
Genomic context (GRCh38, chr1:5,874,556, plus strand): 5'-GAGAAGCTCTGGAACTTGAAGGGGACGTGGGCGGTCTCGTGGGGGCGCAGGTAGAGCTGG[G>A]GGGCCAGGCTGCCACGCAGGTGGAACATGTCCTCCTCCACCGGTGTGTGCAGGCCAGCAG-3'
Protein context (NP_055917.1, residues 1039-1059): DMFHLRGSLA[Pro1049Leu]QLYLRPHETA

ClinVar aggregate classification (germline): Uncertain significance (1 of 4 stars; one submission).

Conditions:
Nephronophthisis. Also called: Juvenile Nephronophthisis. Identifiers: Orphanet 655, MedGen C0687120, MONDO:0019005, HP:0000090.

Allele frequency attached by ClinVar (database versions not stated): gnomAD exomes below 0.00001.
gnomAD v4.1: 1 of 1,605,420 alleles (0.000062%); highest among the groups gnomAD compares: Admixed American, 0.0017%; no homozygotes.

Submission:

Labcorp Genetics (formerly Invitae), Labcorp
Classification: Uncertain significance for Nephronophthisis. Last evaluated: 2022-06-17. Review status: criteria provided, single submitter. Criteria: Invitae Variant Classification Sherloc (09022015). Collection method: clinical testing. Allele origin: germline.
Comment: In summary, the available evidence is currently insufficient to determine the role of this variant in disease. Therefore, it has been classified as a Variant of Uncertain Significance. Algorithms developed to predict the effect of missense changes on protein structure and function are either unavailable or do not agree on the potential impact of this missense change (SIFT: "Tolerated"; PolyPhen-2: "Probably Damaging"; Align-GVGD: "Class C0"). This variant has not been reported in the literature in individuals affected with NPHP4-related conditions. The frequency data for this variant in the population databases is considered unreliable, as metrics indicate poor data quality at this position in the gnomAD database. This sequence change replaces proline, which is neutral and non-polar, with leucine, which is neutral and non-polar, at codon 1049 of the NPHP4 protein (p.Pro1049Leu).